The following is an entry in ClinVar:

NM_144999.4(LRRC45):c.2004C>T (p.Pro668=)

Gene: LRRC45 (leucine rich repeat containing 45; plus strand). Cytogenetic location: 17q25.3.
Variant type: single nucleotide variant.
Coding change: c.2004C>T on transcript NM_144999.4 (MANE Select); coding-DNA position 2004, C replaced by T.
Protein change: p.Pro668=; no amino-acid change (proline 668 retained).
Molecular consequence: synonymous variant.
Genome position (GRCh38, 1-based): chr17:82,030,796, C>T. VCF-style: chr17-82030796-C-T. GRCh37 (hg19) VCF-style: chr17-79988672-C-T.
Identifiers: ClinVar variation 5001518 (VCV005001518.1).
Genomic context (GRCh38, chr17:82,030,796, plus strand): 5'-CTTCCTGCAGAACGCCGTCCTGGCTTACGTGCAGGCGTCCCCCGTGAGGACCCTGAGCCC[C>T]CCAAAGTGAGACAGGCCGGGAGGACCCGGGCGCAGTAGGAGTGCATCAGGCGGCGCCCGA-3'
Protein context (NP_659436.1, residues 658-670): VQASPVRTLS[Pro668=]PK

ClinVar aggregate classification (germline): Likely benign (1 of 4 stars; one submission).

Conditions:
LRRC45-related disorder. Also called: LRRC45-related condition.

Submission:

PreventionGenetics, part of Exact Sciences
Classification: Likely benign for LRRC45-related condition. Last evaluated: 2024-12-05. Review status: criteria provided, single submitter. Criteria: ACMG Guidelines, 2015. Collection method: clinical testing. Allele origin: germline.
Comment: This variant is classified as likely benign based on ACMG/AMP sequence variant interpretation guidelines (Richards et al. 2015 PMID: 25741868, with internal and published modifications).